The following is an entry in ClinVar:

NM_000821.7(GGCX):c.944G>A (p.Trp315Ter)

Gene: GGCX (gamma-glutamyl carboxylase; minus strand). Cytogenetic location: 2p11.2.
Variant type: single nucleotide variant.
Coding change: c.944G>A on transcript NM_000821.7 (MANE Select); coding-DNA position 944, G replaced by A.
Protein change: p.Trp315Ter; replaces tryptophan 315 with a stop codon.
Molecular consequence: nonsense.
Genome position (GRCh38, 1-based): chr2:85,553,443, C>T on the plus strand (G>A on the coding strand, the complement: GGCX is on the minus strand). VCF-style: chr2-85553443-C-T. GRCh37 (hg19) VCF-style: chr2-85780566-C-T.
Other names: c.773G>A, p.Trp258Ter (NM_001142269.4); c.944G>A (NM_000821.6); short protein forms W258*, W315*.
Identifiers: ClinVar variation 2203110 (VCV002203110.6), dbSNP rs564812596, ClinGen allele CA1741965.

ClinVar aggregate classification (germline): Pathogenic/Likely pathogenic. Review status: criteria provided, multiple submitters, no conflicts (2 of 4 stars). 3 submissions from 3 submitters: Pathogenic (2); Likely pathogenic (1). Last evaluated 2026-01-14.

Conditions:
GGCX-related disorder. Also called: GGCX-related condition; GGCX - Related Disorders.

Allele frequency attached by ClinVar (database versions not stated): ExAC 0.00001; gnomAD exomes 0.00002; TOPMed 0.00003; gnomAD 0.00004.
gnomAD v4.1: 37 of 1,613,818 alleles (0.0023%); highest among the groups gnomAD compares: Non-Finnish European, 0.0031%; no homozygotes.

Submissions (3):

Labcorp Genetics (formerly Invitae), Labcorp
Classification: Pathogenic. Last evaluated: 2026-01-14. Review status: criteria provided, single submitter. Criteria: Invitae Variant Classification Sherloc (09022015). Collection method: clinical testing. Allele origin: germline.
Comment: This sequence change creates a premature translational stop signal (p.Trp315*) in the GGCX gene. It is expected to result in an absent or disrupted protein product. Loss-of-function variants in GGCX are known to be pathogenic (PMID: 17110937, 17327402, 24520408). This variant is present in population databases (rs564812596, gnomAD 0.005%). This premature translational stop signal has been observed in individuals with combined deficiency of vitamin K-dependent clotting factors (VKCFD1) (PMID: 25151188). ClinVar contains an entry for this variant (Variation ID: 2203110). For these reasons, this variant has been classified as Pathogenic.

Blueprint Genetics
Classification: Likely pathogenic for GGCX-related disorders. Last evaluated: 2024-08-27. Review status: criteria provided, single submitter. Criteria: ACMG Guidelines, 2015. Collection method: clinical testing. Allele origin: germline. Affected: yes. Observed: 3 variant alleles.

PreventionGenetics, part of Exact Sciences
Classification: Pathogenic for GGCX-related condition. Last evaluated: 2022-11-03. Review status: criteria provided, single submitter. Criteria: ACMG Guidelines, 2015. Collection method: clinical testing. Allele origin: germline.
Comment: The GGCX c.944G>A variant is predicted to result in premature protein termination (p.Trp315*). This variant has been previously reported in the compound heterozygous state in individuals with vitamin K-related disorders (patient IDs B and G in Table 1, Watzka et al. 2014. PubMed ID: 25151188). In vitro functional studies found that the presence of c.944G>A (p.Trp315*) variant results in loss of GGCX carboxylation activity (Hao et al. 2021. PubMed ID: 33507293). This variant is reported in 0.0047% of alleles in individuals of European (Non-Finnish) descent in gnomAD. Nonsense variants in GGCX are expected to be pathogenic. This variant is interpreted as pathogenic.

Literature cited by the submitters: PubMed 17110937 (cited by Labcorp Genetics (formerly Invitae), Labcorp); PubMed 17327402 (cited by Labcorp Genetics (formerly Invitae), Labcorp); PubMed 24520408 (cited by Labcorp Genetics (formerly Invitae), Labcorp); PubMed 25151188 (cited by Labcorp Genetics (formerly Invitae), Labcorp).